The following is an entry in ClinVar:

ClinVar aggregate classification (germline): Uncertain significance (1 of 4 stars; one submission).

Allele frequency attached by ClinVar (database versions not stated): gnomAD 0.00001 and 0.00002; gnomAD exomes 0.00003; TOPMed 0.00004; ExAC 0.00009.
gnomAD v4.1: 40 of 1,551,580 alleles (0.0026%); highest among the groups gnomAD compares: African/African-American, 0.0068%; no homozygotes.

Submission:

Labcorp Genetics (formerly Invitae), Labcorp
Classification: Uncertain significance. Last evaluated: 2024-06-30. Review status: criteria provided, single submitter. Criteria: Invitae Variant Classification Sherloc (09022015). Collection method: clinical testing. Allele origin: germline.
Comment: This sequence change creates a premature translational stop signal (p.Arg392*) in the DTHD1 gene. It is expected to result in an absent or disrupted protein product. However, the current clinical and genetic evidence is not sufficient to establish whether loss-of-function variants in DTHD1 cause disease. This variant is present in population databases (rs750691784, gnomAD 0.008%). This variant has not been reported in the literature in individuals affected with DTHD1-related conditions. ClinVar contains an entry for this variant (Variation ID: 1470220). In summary, the available evidence is currently insufficient to determine the role of this variant in disease. Therefore, it has been classified as a Variant of Uncertain Significance.

NM_001170700.3(DTHD1):c.2044C>T (p.Arg682Ter)

Gene: DTHD1 (death domain containing 1; plus strand). Cytogenetic location: 4p14.
Variant type: single nucleotide variant.
Coding change: c.2044C>T on transcript NM_001170700.3 (MANE Select); coding-DNA position 2044, C replaced by T.
Protein change: p.Arg682Ter; replaces arginine 682 with a stop codon.
Molecular consequence: nonsense. On other transcripts: non-coding transcript variant (2).
Genome position (GRCh38, 1-based): chr4:36,308,442, C>T. VCF-style: chr4-36308442-C-T. GRCh37 (hg19) VCF-style: chr4-36310064-C-T.
Other names: c.1174C>T, p.Arg392Ter (NM_001136536.5); c.1111C>T, p.Arg371Ter (NM_001378435.1); short protein forms R371*, R392*, R682*.
Identifiers: ClinVar variation 1470220 (VCV001470220.6), dbSNP rs750691784, ClinGen allele CA2885697.
Genomic context (GRCh38, chr4:36,308,442, plus strand): 5'-AAGGACCTGCACTTGGAAGGGTTTGGAGGACCTCCAGAGCCATCTCGTCATTTCCAAGTT[C>T]GAGAAGGAGAACAACTTCTTTTAAGATTTACTGGAAACATATTTGCTTCAAGTAAGTATA-3'